The following is an entry in ClinVar:

ClinVar aggregate classification (germline): Uncertain significance (1 of 4 stars; one submission).

Conditions:
ENHANCED S-CONE SYNDROME 1 (ESCS1). Also called: RETINOSCHISIS WITH EARLY HEMERALOPIA; FAVRE HYALOIDEORETINAL DEGENERATION. Identifiers: MedGen CN380299, OMIM 268100.

gnomAD v4.1: 2 of 1,611,212 alleles (0.00012%); highest among the groups gnomAD compares: Non-Finnish European, 0.000085%; no homozygotes.

Submission:

Myriad Genetics, Inc.
Classification: Uncertain significance for ENHANCED S-CONE SYNDROME 1. Last evaluated: 2025-09-16. Review status: criteria provided, single submitter. Criteria: Myriad Autosomal Dominant, Autosomal Recessive and X-Linked Classification Criteria (2023). Collection method: clinical testing. Allele origin: unknown.
Comment: NM_014249.2(NR2E3):c.751A>G(I251V) is a missense variant classified as a variant of uncertain significance in the context of enhanced S-cone syndrome. I251V has not been observed in cases with relevant disease. Relevant functional assessments of this variant are not available in the literature. I251V has not been observed in referenced population frequency databases. In summary, there is insufficient evidence to classify NM_014249.2(NR2E3):c.751A>G(I251V) as pathogenic or benign. Please note: this variant was assessed in the context of healthy population screening.

NM_014249.4(NR2E3):c.751A>G (p.Ile251Val)

Gene: NR2E3 (nuclear receptor subfamily 2 group E member 3; plus strand). Cytogenetic location: 15q23.
Variant type: single nucleotide variant.
Coding change: c.751A>G on transcript NM_014249.4 (MANE Select); coding-DNA position 751, A replaced by G.
Protein change: p.Ile251Val; replaces isoleucine 251 with valine.
Molecular consequence: missense variant.
Genome position (GRCh38, 1-based): chr15:71,813,392, A>G. VCF-style: chr15-71813392-A-G. GRCh37 (hg19) VCF-style: chr15-72105732-A-G.
Other names: c.751A>G, p.Ile251Val (NM_016346.4); short protein forms I251V.
Identifiers: ClinVar variation 5003614 (VCV005003614.1).